The following is an entry in ClinVar:

ClinVar aggregate classification (germline): Uncertain significance (1 of 4 stars; one submission).

Submission:

Ambry Genetics
Classification: Uncertain significance. Last evaluated: 2024-12-20. Review status: criteria provided, single submitter. Criteria: Ambry Variant Classification Scheme 2023. Collection method: clinical testing. Allele origin: germline.
Comment: The p.P1491S variant (also known as c.4471C>T), located in coding exon 19 of the WNK2 gene, results from a C to T substitution at nucleotide position 4471. The proline at codon 1491 is replaced by serine, an amino acid with similar properties. This amino acid position is conserved. In addition, this alteration is predicted to be tolerated by in silico analysis. Based on the available evidence, the clinical significance of this variant remains unclear.

NM_006648.4(WNK2):c.4471C>T (p.Pro1491Ser)

Gene: WNK2 (WNK lysine deficient protein kinase 2; plus strand). Cytogenetic location: 9q22.31.
Variant type: single nucleotide variant.
Coding change: c.4471C>T on transcript NM_006648.4 (MANE Select); coding-DNA position 4471, C replaced by T.
Protein change: p.Pro1491Ser; replaces proline 1491 with serine.
Molecular consequence: missense variant.
Genome position (GRCh38, 1-based): chr9:93,289,225, C>T. VCF-style: chr9-93289225-C-T. GRCh37 (hg19) VCF-style: chr9-96051507-C-T.
Other names: c.4582C>T, p.Pro1528Ser (NM_001282394.3); short protein forms P1528S, P1491S.
Identifiers: ClinVar variation 3816574 (VCV003816574.1).